The following is an entry in ClinVar:

NM_153717.3(EVC):c.1408C>T (p.Gln470Ter)

Gene: EVC (EvC ciliary complex subunit 1; plus strand). Cytogenetic location: 4p16.2.
Variant type: single nucleotide variant.
Coding change: c.1408C>T on transcript NM_153717.3 (MANE Select); coding-DNA position 1408, C replaced by T.
Protein change: p.Gln470Ter; replaces glutamine 470 with a stop codon.
Molecular consequence: nonsense.
Genome position (GRCh38, 1-based): chr4:5,753,877, C>T. VCF-style: chr4-5753877-C-T. GRCh37 (hg19) VCF-style: chr4-5755604-C-T.
Other names: c.1408C>T, p.Gln470Ter (NM_001306090.2, NM_001306092.2); short protein forms Q470*.
Identifiers: ClinVar variation 4816920 (VCV004816920.1).

ClinVar aggregate classification (germline): Likely pathogenic (1 of 4 stars; one submission).

Conditions:
Ellis-van Creveld syndrome (EVC). Also called: Chondroectodermal dysplasia; EVC-Related Ellis-van Creveld Syndrome; EVC2-Related Ellis-van Creveld Syndrome; MESOECTODERMAL DYSPLASIA. Identifiers: Orphanet 289, MedGen C0013903, MONDO:0009162, OMIM 225500.

gnomAD v4.1: 1 of 1,613,986 alleles (0.000062%); highest among the groups gnomAD compares: Non-Finnish European, 0.000085%; no homozygotes.

Submission:

Natera, Inc.
Classification: Likely pathogenic for Ellis-van Creveld syndrome. Last evaluated: 2024-09-04. Review status: criteria provided, single submitter. Criteria: Natera Variant Classification Schema (03/2026). Collection method: clinical testing. Allele origin: germline.
Comment: The c.1408C>T variant in EVC is a nonsense variant predicted to introduce a stop codon at amino acid 470. This variant is expected to result in nonsense mediated decay, truncation, or a dysfunctional protein product. This variant is rare in the general population with a frequency below the threshold expected for the associated phenotype(s). Given the available evidence, this variant is classified as Likely Pathogenic.